The following is an entry in ClinVar:

ClinVar aggregate classification (germline): Pathogenic (1 of 4 stars; one submission).

Submission:

Labcorp Genetics (formerly Invitae), Labcorp
Classification: Pathogenic. Last evaluated: 2022-03-27. Review status: criteria provided, single submitter. Criteria: Invitae Variant Classification Sherloc (09022015). Collection method: clinical testing. Allele origin: germline.
Comment: For these reasons, this variant has been classified as Pathogenic. This variant has not been reported in the literature in individuals affected with CUL7-related conditions. This variant is not present in population databases (gnomAD no frequency). This sequence change creates a premature translational stop signal (p.Glu626*) in the CUL7 gene. It is expected to result in an absent or disrupted protein product. Loss-of-function variants in CUL7 are known to be pathogenic (PMID: 16142236, 17675530, 19225462).

Literature cited by the submitters: PubMed 16142236; PubMed 17675530; PubMed 19225462.

NM_014780.5(CUL7):c.1876G>T (p.Glu626Ter)

Gene: CUL7 (cullin 7; minus strand). Cytogenetic location: 6p21.1.
Variant type: single nucleotide variant.
Coding change: c.1876G>T on transcript NM_014780.5 (MANE Select); coding-DNA position 1876, G replaced by T.
Protein change: p.Glu626Ter; replaces glutamic acid 626 with a stop codon.
Molecular consequence: nonsense.
Genome position (GRCh38, 1-based): chr6:43,048,519, C>A on the plus strand (G>T on the coding strand, the complement: CUL7 is on the minus strand). VCF-style: chr6-43048519-C-A. GRCh37 (hg19) VCF-style: chr6-43016257-C-A.
Other names: c.1972G>T, p.Glu658Ter (NM_001168370.2, NM_001374872.1); c.1876G>T, p.Glu626Ter (NM_001374873.1, NM_001374874.1); short protein forms E626*, E658*.
Identifiers: ClinVar variation 2050953 (VCV002050953.4), dbSNP rs2532698441, ClinGen allele CA364220966.